The following is an entry in ClinVar:

ClinVar aggregate classification (germline): Uncertain significance. Review status: criteria provided, multiple submitters, no conflicts (2 of 4 stars). 2 submissions from 2 submitters: Uncertain significance (2). Last evaluated 2024-05-13.

Conditions:
Neuropathy, hereditary sensory and autonomic, type 2A (HSAN2A). Also called: HSAN IIA; WNK1-Related HSAN2 (HSAN2A); MORVAN DISEASE; NEUROPATHY, CONGENITAL SENSORY; NEUROPATHY, HEREDITARY SENSORY RADICULAR, AUTOSOMAL RECESSIVE; NEUROPATHY, HEREDITARY SENSORY, TYPE IIA. Identifiers: Orphanet 970, MedGen C2752089, MONDO:0024309, OMIM 201300.
Pseudohypoaldosteronism type 2C (PHA2C). Also called: Pseudohypoaldosteronism Type IIC. Identifiers: Orphanet 757, Orphanet 88940, MedGen C1840391, MONDO:0013778, OMIM 614492.

Allele frequency attached by ClinVar (database versions not stated): gnomAD exomes below 0.00001 and 0.00001; gnomAD 0.00001; TOPMed 0.00001.
gnomAD v4.1: 9 of 1,614,062 alleles (0.00056%); highest among the groups gnomAD compares: Non-Finnish European, 0.00076%; no homozygotes.

Submissions (2):

Fulgent Genetics
Classification: Uncertain significance for Neuropathy, hereditary sensory and autonomic, type 2A; Pseudohypoaldosteronism type 2C. Last evaluated: 2024-05-13. Review status: criteria provided, single submitter. Criteria: ACMG Guidelines, 2015. Collection method: clinical testing. Allele origin: germline.

Labcorp Genetics (formerly Invitae), Labcorp
Classification: Uncertain significance for Neuropathy, hereditary sensory and autonomic, type 2A; Pseudohypoaldosteronism type 2C. Last evaluated: 2019-05-10. Review status: criteria provided, single submitter. Criteria: Invitae Variant Classification Sherloc (09022015). Collection method: clinical testing. Allele origin: germline.
Comment: This sequence change replaces threonine with isoleucine at codon 1353 of the WNK1 protein (p.Thr1353Ile). The threonine residue is moderately conserved and there is a moderate physicochemical difference between threonine and isoleucine. This variant is not present in population databases (ExAC no frequency). In summary, the available evidence is currently insufficient to determine the role of this variant in disease. Therefore, it has been classified as a Variant of Uncertain Significance. Algorithms developed to predict the effect of missense changes on protein structure and function do not agree on the potential impact of this missense change (SIFT: "Deleterious"; PolyPhen-2: "Benign"; Align-GVGD: "Class C0"). This variant has not been reported in the literature in individuals with WNK1-related disease.

NM_018979.4(WNK1):c.4058C>T (p.Thr1353Ile)

Gene: WNK1 (WNK lysine deficient protein kinase 1; plus strand). Cytogenetic location: 12p13.33.
Variant type: single nucleotide variant.
Coding change: c.4058C>T on transcript NM_018979.4 (MANE Select); coding-DNA position 4058, C replaced by T.
Protein change: p.Thr1353Ile; replaces threonine 1353 with isoleucine.
Molecular consequence: missense variant.
Genome position (GRCh38, 1-based): chr12:884,862, C>T. VCF-style: chr12-884862-C-T. GRCh37 (hg19) VCF-style: chr12-994028-C-T.
Other names: c.4838C>T, p.Thr1613Ile (NM_001184985.2); c.3317C>T, p.Thr1106Ile (NM_014823.3); c.4814C>T, p.Thr1605Ile (NM_213655.5); short protein forms T1605I, T1353I, T1106I, T1613I.
Identifiers: ClinVar variation 538503 (VCV000538503.11), dbSNP rs1182500229, ClinGen allele CA383330477.